The following is an entry in ClinVar:

NM_005219.5(DIAPH1):c.701T>C (p.Met234Thr)

Gene: DIAPH1 (diaphanous related formin 1; minus strand). Cytogenetic location: 5q31.3.
Variant type: single nucleotide variant.
Coding change: c.701T>C on transcript NM_005219.5 (MANE Select); coding-DNA position 701, T replaced by C.
Protein change: p.Met234Thr; replaces methionine 234 with threonine.
Molecular consequence: missense variant.
Genome position (GRCh38, 1-based): chr5:141,580,867, A>G on the plus strand (T>C on the coding strand, the complement: DIAPH1 is on the minus strand). VCF-style: chr5-141580867-A-G. GRCh37 (hg19) VCF-style: chr5-140960434-A-G.
Other names: c.674T>C, p.Met225Thr (NM_001079812.3); c.701T>C, p.Met234Thr (NM_001314007.2); short protein forms M225T, M234T.
Identifiers: ClinVar variation 2923410 (VCV002923410.3), dbSNP rs755414258, ClinGen allele CA3479497.
Genomic context (GRCh38, chr5:141,580,867, plus strand): 5'-TTGGGAACAGCAGGATCCATGGCTCTGACCAGCAGTAGGATTCCTTCTTCTGTCTCCAAC[A>G]TGGTCTTGATTCCAAACTGGTAGGACCAAGAACAAAGAAAGGAGGCTGAAAGACGAAAGC-3'
Protein context (NP_005210.3, residues 224-244): FMNNKFGIKT[Met234Thr]LETEEGILLL

ClinVar aggregate classification (germline): Uncertain significance (1 of 4 stars; one submission).

Conditions:
Progressive microcephaly-seizures-cortical blindness-developmental delay syndrome. Also called: Seizures, cortical blindness, and microcephaly syndrome. Identifiers: Orphanet 477814, MedGen C5567650, MONDO:0014714, OMIM 616632.
Autosomal dominant nonsyndromic hearing loss 1. Also called: DEAFNESS, AUTOSOMAL DOMINANT 1, WITH OR WITHOUT THROMBOCYTOPENIA; KONIGSMARK SYNDROME. Identifiers: Orphanet 90635, MedGen C1852282, MONDO:0007424, OMIM 124900.

Allele frequency attached by ClinVar (database versions not stated): ExAC 0.00001; gnomAD 0.00001; gnomAD exomes 0.00001; TOPMed 0.00002.
gnomAD v4.1: 9 of 1,614,092 alleles (0.00056%); highest among the groups gnomAD compares: Admixed American, 0.0033%; no homozygotes.

Submission:

Labcorp Genetics (formerly Invitae), Labcorp
Classification: Uncertain significance for Progressive microcephaly-seizures-cortical blindness-developmental delay syndrome; Autosomal dominant nonsyndromic hearing loss 1. Last evaluated: 2024-01-04. Review status: criteria provided, single submitter. Criteria: Invitae Variant Classification Sherloc (09022015). Collection method: clinical testing. Allele origin: germline.
Comment: This sequence change replaces methionine, which is neutral and non-polar, with threonine, which is neutral and polar, at codon 234 of the DIAPH1 protein (p.Met234Thr). This variant is present in population databases (rs755414258, gnomAD 0.0009%). This variant has not been reported in the literature in individuals affected with DIAPH1-related conditions. Experimental studies and prediction algorithms are not available or were not evaluated, and the functional significance of this variant is currently unknown. In summary, the available evidence is currently insufficient to determine the role of this variant in disease. Therefore, it has been classified as a Variant of Uncertain Significance.